The following is an entry in ClinVar:

ClinVar aggregate classification (germline): Uncertain significance. Review status: criteria provided, multiple submitters, no conflicts (2 of 4 stars). 2 submissions from 2 submitters: Uncertain significance (2). Last evaluated 2024-05-02.

Conditions:
Left ventricular noncompaction 8 (LVNC8). Identifiers: Orphanet 154, Orphanet 54260, MedGen C3809288, MONDO:0014152, OMIM 615373.
Inborn genetic diseases. Identifiers: MedGen C0950123, MeSH D030342.

Allele frequency attached by ClinVar (database versions not stated): gnomAD exomes below 0.00001; TOPMed below 0.00001.
gnomAD v4.1: 1 of 1,612,094 alleles (0.000062%); highest among the groups gnomAD compares: East Asian, 0.0022%; no homozygotes.

Submissions (2):

Ambry Genetics
Classification: Uncertain significance for Inborn genetic diseases. Last evaluated: 2024-05-02. Review status: criteria provided, single submitter. Criteria: Ambry Variant Classification Scheme 2023. Collection method: clinical testing. Allele origin: germline.

Labcorp Genetics (formerly Invitae), Labcorp
Classification: Uncertain significance for Left ventricular noncompaction 8. Last evaluated: 2022-05-18. Review status: criteria provided, single submitter. Criteria: Invitae Variant Classification Sherloc (09022015). Collection method: clinical testing. Allele origin: germline.
Comment: This variant is not present in population databases (gnomAD no frequency). This sequence change replaces leucine, which is neutral and non-polar, with phenylalanine, which is neutral and non-polar, at codon 749 of the PRDM16 protein (p.Leu749Phe). This variant has not been reported in the literature in individuals affected with PRDM16-related conditions. Algorithms developed to predict the effect of missense changes on protein structure and function are either unavailable or do not agree on the potential impact of this missense change (SIFT: "Deleterious"; PolyPhen-2: "Probably Damaging"; Align-GVGD: "Class C15"). In summary, the available evidence is currently insufficient to determine the role of this variant in disease. Therefore, it has been classified as a Variant of Uncertain Significance.

NM_022114.4(PRDM16):c.2247G>C (p.Leu749Phe)

Gene: PRDM16 (PR/SET domain 16; plus strand). Cytogenetic location: 1p36.32.
Variant type: single nucleotide variant.
Coding change: c.2247G>C on transcript NM_022114.4 (MANE Select); coding-DNA position 2247, G replaced by C.
Protein change: p.Leu749Phe; replaces leucine 749 with phenylalanine.
Molecular consequence: missense variant.
Genome position (GRCh38, 1-based): chr1:3,412,444, G>C. VCF-style: chr1-3412444-G-C. GRCh37 (hg19) VCF-style: chr1-3329008-G-C.
Other names: c.2247G>C, p.Leu749Phe (NM_199454.3); c.2247G>C (NM_022114.3); short protein forms L749F.
Identifiers: ClinVar variation 1926889 (VCV001926889.6), dbSNP rs1553176942, ClinGen allele CA337999984.